The following is an entry in ClinVar:

NM_177924.5(ASAH1):c.277A>G (p.Ile93Val)

Gene: ASAH1 (N-acylsphingosine amidohydrolase 1; minus strand). Cytogenetic location: 8p22.
Variant type: single nucleotide variant.
Coding change: c.277A>G on transcript NM_177924.5 (MANE Select); coding-DNA position 277, A replaced by G.
Protein change: p.Ile93Val; replaces isoleucine 93 with valine.
Molecular consequence: missense variant. On other transcripts: intron variant (1).
Genome position (GRCh38, 1-based): chr8:18,069,818, T>C on the plus strand (A>G on the coding strand, the complement: ASAH1 is on the minus strand). VCF-style: chr8-18069818-T-C. GRCh37 (hg19) VCF-style: chr8-17927327-T-C.
Other names: c.82A>G, p.Ile28Val (NM_001363743.2); c.325A>G, p.Ile109Val (NM_004315.6); c.285+1482A>G (NM_001127505.3); short protein forms I109V, I93V, I28V.
Identifiers: ClinVar variation 197389 (VCV000197389.30), dbSNP rs1049874, ClinGen allele CA202851.

ClinVar aggregate classification (germline): Benign. Review status: criteria provided, multiple submitters, no conflicts (2 of 4 stars). 13 submissions from 12 submitters: Benign (10). 3 of the submissions do not count toward it. Last evaluated 2026-02-04.

Conditions:
Spinal muscular atrophy-progressive myoclonic epilepsy syndrome. Also called: Hereditary myoclonus and progressive distal muscular atrophy; MYOCLONUS, HEREDITARY, WITH PROGRESSIVE DISTAL MUSCULAR ATROPHY; Spinal Muscular Atrophy with Progressive Myoclonic Epilepsy (SMA-PME); Spinal muscular atrophy with progressive myoclonic epilepsy. Identifiers: Orphanet 2590, MedGen C1834569, MONDO:0008045, OMIM 159950.
Farber lipogranulomatosis (FRBRL). Also called: AC DEFICIENCY; ACID CERAMIDASE DEFICIENCY; CERAMIDASE DEFICIENCY; N-LAURYLSPHINGOSINE DEACYLASE DEFICIENCY; Farber's lipogranulomatosis; Farber's disease. Identifiers: Orphanet 333, MedGen C0268255, MONDO:0009218, OMIM 228000.

Allele frequency attached by ClinVar (database versions not stated): 1000 Genomes Project 30x 0.42021; 1000 Genomes Project 0.42053; ESP Exome Variant Server 0.42163; gnomAD 0.42365 and 0.42843; TOPMed 0.43368; ExAC 0.47965; gnomAD exomes 0.47998 and 0.48898.
gnomAD v4.1: 742,194 of 1,562,986 alleles (47%); highest among the groups gnomAD compares: Admixed American, 61%; 181,906 homozygotes.

Submissions (13):

Labcorp Genetics (formerly Invitae), Labcorp
Classification: Benign. Last evaluated: 2026-02-04. Review status: criteria provided, single submitter. Criteria: Invitae Variant Classification Sherloc (09022015). Collection method: clinical testing. Allele origin: germline.

Blueprint Genetics
Classification: Benign. Last evaluated: 2024-11-27. Review status: criteria provided, single submitter. Criteria: ACMG Guidelines, 2015. Collection method: clinical testing. Allele origin: germline.

Genome-Nilou Lab
Classification: Benign for Farber lipogranulomatosis. Last evaluated: 2021-07-14. Review status: criteria provided, single submitter. Criteria: ACMG Guidelines, 2015. Collection method: clinical testing. Allele origin: germline. Affected: no.

Genome-Nilou Lab
Classification: Benign for Spinal muscular atrophy-progressive myoclonic epilepsy syndrome. Last evaluated: 2021-07-14. Review status: criteria provided, single submitter. Criteria: ACMG Guidelines, 2015. Collection method: clinical testing. Allele origin: germline. Affected: no.

GeneDx
Classification: Benign. Last evaluated: 2018-06-25. Review status: criteria provided, single submitter. Criteria: GeneDx Variant Classification Process June 2021. Collection method: clinical testing. Allele origin: germline. Affected: yes.
Comment: This variant is associated with the following publications: (PMID: 23385296)

Illumina Laboratory Services, Illumina
Classification: Benign for Farber lipogranulomatosis. Last evaluated: 2018-01-13. Review status: criteria provided, single submitter. Criteria: ICSL Variant Classification Criteria 13 December 2019. Collection method: clinical testing. Allele origin: germline.
Comment: This variant was observed in the ICSL laboratory as part of a predisposition screen in an ostensibly healthy population. It had not been previously curated by ICSL or reported in the Human Gene Mutation Database (HGMD: prior to June 1st, 2018), and was therefore a candidate for classification through an automated scoring system. Utilizing variant allele frequency, disease prevalence and penetrance estimates, and inheritance mode, an automated score was calculated to assess if this variant is too frequent to cause the disease. Based on the score and internal cut-off values, a variant classified as benign is not then subjected to further curation. The score for this variant resulted in a classification of benign for this disease.

Laboratory for Molecular Medicine, Mass General Brigham Personalized Medicine
Classification: Benign. Last evaluated: 2016-03-29. Review status: criteria provided, single submitter. Criteria: LMM Criteria. Collection method: clinical testing. Allele origin: germline.
Comment: Variant identified in a genome or exome case(s) and assessed due to predicted null impact of the variant or pathogenic assertions in the literature or databases. Disclaimer: This variant has not undergone full assessment. The following are preliminary notes: 48% of total chromosomes in ExAC

Eurofins Ntd Llc (ga)
Classification: Benign. Last evaluated: 2015-04-06. Review status: criteria provided, single submitter. Criteria: EGL Classification Definitions 2015. Collection method: clinical testing. Allele origin: germline. Observed: 1 variant allele, 1 homozygote.

Breakthrough Genomics
Classification: Benign. Review status: criteria provided, single submitter. Criteria: ACMG Guidelines, 2015. Collection method: not provided. Allele origin: germline. Inheritance: Autosomal recessive inheritance. Affected: yes.

PreventionGenetics, part of Exact Sciences
Classification: Benign. Review status: criteria provided, single submitter. Criteria: ACMG Guidelines, 2015. Collection method: clinical testing. Allele origin: germline.

Mayo Clinic Laboratories, Mayo Clinic
Classification: Benign. Last evaluated: 2015-10-22. Review status: no assertion criteria provided. Collection method: clinical testing. Allele origin: unknown. Not counted in ClinVar's aggregate classification.

Clinical Genetics, Academic Medical Center
Classification: Benign. Review status: no assertion criteria provided. Collection method: clinical testing. Allele origin: germline. Affected: yes. Study: VKGL Data-share Consensus. Not counted in ClinVar's aggregate classification.

Diagnostic Laboratory, Department of Genetics, University Medical Center Groningen
Classification: Benign. Review status: no assertion criteria provided. Collection method: clinical testing. Allele origin: germline. Affected: yes. Study: VKGL Data-share Consensus. Not counted in ClinVar's aggregate classification.